The following is an entry in ClinVar:

ClinVar aggregate classification (germline): Uncertain significance (1 of 4 stars; one submission).

Conditions:
Microcephaly, normal intelligence and immunodeficiency (NBS). Also called: IMMUNODEFICIENCY, MICROCEPHALY, AND CHROMOSOMAL INSTABILITY; Immunodeficiency, microcephaly with normal intelligence; BERLIN BREAKAGE SYNDROME; SEEMANOVA SYNDROME II; Ataxia telangiectasia variant V1; Nijmegen breakage syndrome. Identifiers: Orphanet 647, MedGen C0398791, MONDO:0009623, OMIM 251260.

Allele frequency attached by ClinVar (database versions not stated): gnomAD exomes below 0.00001.
gnomAD v4.1: 1 of 1,613,416 alleles (0.000062%); highest among the groups gnomAD compares: Middle Eastern, 0.017%; no homozygotes.

Submission:

Labcorp Genetics (formerly Invitae), Labcorp
Classification: Uncertain significance for Microcephaly, normal intelligence and immunodeficiency. Last evaluated: 2022-03-12. Review status: criteria provided, single submitter. Criteria: Invitae Variant Classification Sherloc (09022015). Collection method: clinical testing. Allele origin: germline.
Comment: This variant has not been reported in the literature in individuals affected with NBN-related conditions. In summary, the available evidence is currently insufficient to determine the role of this variant in disease. Therefore, it has been classified as a Variant of Uncertain Significance. Algorithms developed to predict the effect of missense changes on protein structure and function are either unavailable or do not agree on the potential impact of this missense change (SIFT: "Deleterious"; PolyPhen-2: "Probably Damaging"; Align-GVGD: "Class C15"). This variant is not present in population databases (gnomAD no frequency). This sequence change replaces glycine, which is neutral and non-polar, with arginine, which is basic and polar, at codon 137 of the NBN protein (p.Gly137Arg).

NM_002485.5(NBN):c.409G>A (p.Gly137Arg)

Gene: NBN (nibrin; minus strand). Cytogenetic location: 8q21.3.
Variant type: single nucleotide variant.
Coding change: c.409G>A on transcript NM_002485.5 (MANE Select); coding-DNA position 409, G replaced by A.
Protein change: p.Gly137Arg; replaces glycine 137 with arginine.
Molecular consequence: missense variant.
Genome position (GRCh38, 1-based): chr8:89,980,805, C>T on the plus strand (G>A on the coding strand, the complement: NBN is on the minus strand). VCF-style: chr8-89980805-C-T. GRCh37 (hg19) VCF-style: chr8-90993033-C-T.
Other names: c.163G>A, p.Gly55Arg (NM_001024688.3); short protein forms G137R, G55R.
Identifiers: ClinVar variation 2110161 (VCV002110161.4), dbSNP rs2488356055, ClinGen allele CA371661847.